The following is an entry in ClinVar:

ClinVar aggregate classification (germline): Uncertain significance (1 of 4 stars; one submission).

Submission:

Labcorp Genetics (formerly Invitae), Labcorp
Classification: Uncertain significance. Last evaluated: 2022-05-06. Review status: criteria provided, single submitter. Criteria: Invitae Variant Classification Sherloc (09022015). Collection method: clinical testing. Allele origin: germline.
Comment: In summary, the available evidence is currently insufficient to determine the role of this variant in disease. Therefore, it has been classified as a Variant of Uncertain Significance. Algorithms developed to predict the effect of missense changes on protein structure and function are either unavailable or do not agree on the potential impact of this missense change (SIFT: "Deleterious"; PolyPhen-2: "Possibly Damaging"; Align-GVGD: "Class C0"). This variant has not been reported in the literature in individuals affected with GPC6-related conditions. This variant is not present in population databases (gnomAD no frequency). This sequence change replaces valine, which is neutral and non-polar, with alanine, which is neutral and non-polar, at codon 317 of the GPC6 protein (p.Val317Ala).

NM_005708.5(GPC6):c.950T>C (p.Val317Ala)

Gene: GPC6 (glypican 6; plus strand). Cytogenetic location: 13q31.3.
Variant type: single nucleotide variant.
Coding change: c.950T>C on transcript NM_005708.5 (MANE Select); coding-DNA position 950, T replaced by C.
Protein change: p.Val317Ala; replaces valine 317 with alanine.
Molecular consequence: missense variant.
Genome position (GRCh38, 1-based): chr13:94,286,421, T>C. VCF-style: chr13-94286421-T-C. GRCh37 (hg19) VCF-style: chr13-94938675-T-C.
Other names: short protein forms V317A.
Identifiers: ClinVar variation 1908834 (VCV001908834.5), dbSNP rs2502805132, ClinGen allele CA388466372.